The following is an entry in ClinVar:

ClinVar aggregate classification (germline): Uncertain significance (1 of 4 stars; one submission).

Submission:

Women's Health and Genetics/Laboratory Corporation of America, LabCorp
Classification: Uncertain significance. Last evaluated: 2025-04-25. Review status: criteria provided, single submitter. Criteria: LabCorp Variant Classification Summary - May 2015. Collection method: clinical testing. Allele origin: germline.
Comment: Variant summary: SAMD9 c.3613C>T (p.Leu1205Phe) results in a non-conservative amino acid change in the encoded protein sequence. Three of five in-silico tools predict a benign effect of the variant on protein function. The variant was absent in 251138 control chromosomes. The available data on variant occurrences in the general population are insufficient to allow any conclusion about variant significance. To our knowledge, no occurrence of c.3613C>T in individuals affected with MIRAGE Syndrome and no experimental evidence demonstrating its impact on protein function have been reported. No submitters have cited clinical-significance assessments for this variant to ClinVar. Based on the evidence outlined above, the variant was classified as uncertain significance.

NM_017654.4(SAMD9):c.3613C>T (p.Leu1205Phe)

Gene: SAMD9 (sterile alpha motif domain containing 9; minus strand). Cytogenetic location: 7q21.2.
Variant type: single nucleotide variant.
Coding change: c.3613C>T on transcript NM_017654.4 (MANE Select); coding-DNA position 3613, C replaced by T.
Protein change: p.Leu1205Phe; replaces leucine 1205 with phenylalanine.
Molecular consequence: missense variant.
Genome position (GRCh38, 1-based): chr7:93,102,485, G>A on the plus strand (C>T on the coding strand, the complement: SAMD9 is on the minus strand). VCF-style: chr7-93102485-G-A. GRCh37 (hg19) VCF-style: chr7-92731798-G-A.
Other names: c.3613C>T, p.Leu1205Phe (NM_001193307.2); short protein forms L1205F.
Identifiers: ClinVar variation 3896640 (VCV003896640.2).